The following is an entry in ClinVar:

NC_000018.9:g.(?_44063540)_(44065124_?)del

Gene: LOXHD1 (lipoxygenase homology PLAT domains 1; minus strand). Cytogenetic location: 18q21.1.
Variant type: Deletion.
Identifiers: ClinVar variation 1457046 (VCV001457046.6).

ClinVar aggregate classification (germline): Pathogenic (1 of 4 stars; one submission).

Submission:

Labcorp Genetics (formerly Invitae), Labcorp
Classification: Pathogenic. Last evaluated: 2022-01-15. Review status: criteria provided, single submitter. Criteria: Invitae Variant Classification Sherloc (09022015). Collection method: clinical testing. Allele origin: germline.
Comment: This variant is a gross deletion of the genomic region encompassing exon(s) 38-39 of the LOXHD1 gene. While this deletion is not anticipated to lead to nonsense mediated decay, it is expected to disrupt the C-terminus of the protein. This variant has not been reported in the literature in individuals affected with LOXHD1-related conditions. This variant disrupts a region of the LOXHD1 protein in which other variant(s) (p.Tyr2102*) have been determined to be pathogenic (Invitae). This suggests that this is a clinically significant region of the protein, and that variants that disrupt it are likely to be disease-causing. For these reasons, this variant has been classified as Pathogenic.